The following is an entry in ClinVar:

ClinVar aggregate classification (germline): Benign/Likely benign. Review status: criteria provided, multiple submitters, no conflicts (2 of 4 stars). 2 submissions from 2 submitters: Benign (1); Likely benign (1). Last evaluated 2022-04-01.

Allele frequency attached by ClinVar (database versions not stated): 1000 Genomes Project 0.00060; 1000 Genomes Project 30x 0.00062; gnomAD 0.00230 and 0.00236; ExAC 0.00257; TOPMed 0.00269; ESP Exome Variant Server 0.00279; gnomAD exomes 0.00288 and 0.00353.
gnomAD v4.1: 5,542 of 1,613,680 alleles (0.34%); highest among the groups gnomAD compares: Non-Finnish European, 0.38%; 17 homozygotes.

Submissions (2):

CeGaT Center for Human Genetics Tuebingen
Classification: Likely benign. Last evaluated: 2022-04-01. Review status: criteria provided, single submitter. Criteria: CeGaT Center For Human Genetics Tuebingen Variant Classification Criteria Version 2. Collection method: clinical testing. Allele origin: germline. Affected: yes. Observed: 1 variant allele.
Comment: ICE1: BP4, BP7

Labcorp Genetics (formerly Invitae), Labcorp
Classification: Benign. Last evaluated: 2018-01-22. Review status: criteria provided, single submitter. Criteria: Invitae Variant Classification Sherloc (09022015). Collection method: clinical testing. Allele origin: germline.

NM_015325.3(ICE1):c.4971T>C (p.Ser1657=)

Gene: ICE1 (interactor of little elongation complex ELL subunit 1; plus strand). Cytogenetic location: 5p15.32.
Variant type: single nucleotide variant.
Coding change: c.4971T>C on transcript NM_015325.3 (MANE Select); coding-DNA position 4971, T replaced by C.
Protein change: p.Ser1657=; no amino-acid change (serine 1657 retained).
Molecular consequence: synonymous variant.
Genome position (GRCh38, 1-based): chr5:5,464,305, T>C. VCF-style: chr5-5464305-T-C. GRCh37 (hg19) VCF-style: chr5-5464418-T-C.
Identifiers: ClinVar variation 780036 (VCV000780036.27), dbSNP rs145441296, ClinGen allele CA3191414.